The following is an entry in ClinVar:

ClinVar aggregate classification (germline): Uncertain significance (1 of 4 stars; one submission).

Submission:

Women's Health and Genetics/Laboratory Corporation of America, LabCorp
Classification: Uncertain significance. Last evaluated: 2025-05-13. Review status: criteria provided, single submitter. Criteria: LabCorp Variant Classification Summary - May 2015. Collection method: clinical testing. Allele origin: germline.
Comment: Variant summary: CPS1 c.2528T>C (p.Leu843Ser) results in a non-conservative amino acid change in the encoded protein sequence. Algorithms developed to predict the effect of missense changes on protein structure and function all suggest that this variant is likely to be disruptive. The variant was absent in 250940 control chromosomes. c.2528T>C has been observed in an individual affected with Carbamoylphosphate Synthetase I Deficiency (Haberle_2004). These data do not allow any conclusion about variant significance. At least one publication reports experimental evidence evaluating an impact on protein function. The most pronounced variant effect results in 70% reduction in normal CPS activity in an in vitro assay (Diez-Fernandez_2014). The following publications have been ascertained in the context of this evaluation (PMID: 24813853, 15164414). No submitters have cited clinical-significance assessments for this variant to ClinVar. Based on the evidence outlined above, the variant was classified as VUS-possibly pathogenic.

Literature cited by the submitters: PubMed 15164414; PubMed 24813853.

NM_001875.5(CPS1):c.2528T>C (p.Leu843Ser)

Gene: CPS1 (carbamoyl-phosphate synthase 1; plus strand). Cytogenetic location: 2q34.
Variant type: single nucleotide variant.
Coding change: c.2528T>C on transcript NM_001875.5 (MANE Select); coding-DNA position 2528, T replaced by C.
Protein change: p.Leu843Ser; replaces leucine 843 with serine.
Molecular consequence: missense variant. On other transcripts: non-coding transcript variant (2).
Genome position (GRCh38, 1-based): chr2:210,612,253, T>C. VCF-style: chr2-210612253-T-C. GRCh37 (hg19) VCF-style: chr2-211476977-T-C.
Other names: c.2528T>C, p.Leu843Ser (NM_001122633.3, NM_001369257.1); c.2561T>C, p.Leu854Ser (NM_001369256.1); short protein forms L843S, L854S.
Identifiers: ClinVar variation 3902247 (VCV003902247.1).